The following is an entry in ClinVar:

ClinVar aggregate classification (germline): Uncertain significance (1 of 4 stars; one submission).

Conditions:
Familial focal epilepsy with variable foci (FPEVF). Identifiers: Orphanet 98820, MedGen C1858477, MONDO:0020310.

Allele frequency attached by ClinVar (database versions not stated): gnomAD exomes below 0.00001; TOPMed 0.00001.
gnomAD v4.1: 3 of 1,613,922 alleles (0.00019%); highest among the groups gnomAD compares: East Asian, 0.0022%; no homozygotes.

Submission:

Labcorp Genetics (formerly Invitae), Labcorp
Classification: Uncertain significance for Familial focal epilepsy with variable foci. Last evaluated: 2022-02-05. Review status: criteria provided, single submitter. Criteria: Invitae Variant Classification Sherloc (09022015). Collection method: clinical testing. Allele origin: germline.
Comment: In summary, the available evidence is currently insufficient to determine the role of this variant in disease. Therefore, it has been classified as a Variant of Uncertain Significance. Algorithms developed to predict the effect of missense changes on protein structure and function are either unavailable or do not agree on the potential impact of this missense change (SIFT: "Tolerated"; PolyPhen-2: "Not Available"; Align-GVGD: "Class C0"). This variant has not been reported in the literature in individuals affected with DEPDC5-related conditions. This variant is not present in population databases (gnomAD no frequency). This sequence change replaces glutamic acid, which is acidic and polar, with lysine, which is basic and polar, at codon 1454 of the DEPDC5 protein (p.Glu1454Lys).

NM_001242896.3(DEPDC5):c.4360G>A (p.Glu1454Lys)

Gene: DEPDC5 (DEP domain containing 5, GATOR1 subcomplex subunit; plus strand). Cytogenetic location: 22q12.3.
Variant type: single nucleotide variant.
Coding change: c.4360G>A on transcript NM_001242896.3 (MANE Select); coding-DNA position 4360, G replaced by A.
Protein change: p.Glu1454Lys; replaces glutamic acid 1454 with lysine.
Molecular consequence: missense variant. On other transcripts: non-coding transcript variant (5).
Genome position (GRCh38, 1-based): chr22:31,897,638, G>A. VCF-style: chr22-31897638-G-A. GRCh37 (hg19) VCF-style: chr22-32293624-G-A.
Other names: c.4333G>A, p.Glu1445Lys (NM_001136029.4); c.4060G>A, p.Glu1354Lys (NM_001242897.2); c.4294G>A, p.Glu1432Lys (NM_001363852.2, NM_001364320.2); c.4126G>A, p.Glu1376Lys (NM_001363854.2, NM_001364319.2); c.4360G>A, p.Glu1454Lys (NM_001364318.2); c.4276G>A, p.Glu1426Lys (NM_001369901.1, NM_001369902.1); c.4267G>A, p.Glu1423Lys (NM_001369903.1, NM_014662.6); short protein forms E1376K, E1432K, E1426K, E1354K, E1423K, E1445K, E1454K.
Identifiers: ClinVar variation 1462695 (VCV001462695.8), dbSNP rs962190440, ClinGen allele CA323351929.
Genomic context (GRCh38, chr22:31,897,638, plus strand): 5'-CCCCTTCGTGCCCAGCTCTTCATCCCACTCAACATCAGCTGCTTGCTCAAGGAGGGCAGC[G>A]AGCACCTGTTTGATAGTAAGAAATATTCCCTTCTGGAGGTTGTCTCAACCAGTAAGACCC-3'
Protein context (NP_001229825.1, residues 1444-1464): NISCLLKEGS[Glu1454Lys]HLFDSFEPET